The following is an entry in ClinVar:

ClinVar aggregate classification (germline): Uncertain significance (1 of 4 stars; one submission).

Conditions:
Werner syndrome (WRN). Identifiers: Orphanet 902, MedGen C0043119, MONDO:0010196, OMIM 277700.

Allele frequency attached by ClinVar (database versions not stated): gnomAD exomes below 0.00001 and 0.00002; ExAC 0.00002; gnomAD 0.00004; TOPMed 0.00004; ESP Exome Variant Server 0.00008.

Submission:

Labcorp Genetics (formerly Invitae), Labcorp
Classification: Uncertain significance for Werner syndrome. Last evaluated: 2025-08-07. Review status: criteria provided, single submitter. Criteria: Invitae Variant Classification Sherloc (09022015). Collection method: clinical testing. Allele origin: germline.
Comment: This sequence change replaces lysine, which is basic and polar, with threonine, which is neutral and polar, at codon 742 of the WRN protein (p.Lys742Thr). This variant is present in population databases (rs374156628, gnomAD 0.02%). This variant has not been reported in the literature in individuals affected with WRN-related conditions. ClinVar contains an entry for this variant (Variation ID: 528111). An algorithm developed to predict the effect of missense changes on protein structure and function (PolyPhen-2) suggests that this variant is likely to be disruptive. In summary, the available evidence is currently insufficient to determine the role of this variant in disease. Therefore, it has been classified as a Variant of Uncertain Significance.

NM_000553.6(WRN):c.2225A>C (p.Lys742Thr)

Gene: WRN (WRN RecQ like helicase; plus strand). Cytogenetic location: 8p12.
Variant type: single nucleotide variant.
Coding change: c.2225A>C on transcript NM_000553.6 (MANE Select); coding-DNA position 2225, A replaced by C.
Protein change: p.Lys742Thr; replaces lysine 742 with threonine.
Molecular consequence: missense variant.
Genome position (GRCh38, 1-based): chr8:31,111,751, A>C. VCF-style: chr8-31111751-A-C. GRCh37 (hg19) VCF-style: chr8-30969267-A-C.
Other names: short protein forms K742T.
Identifiers: ClinVar variation 528111 (VCV000528111.6), dbSNP rs374156628, ClinGen allele CA4704674.